The following is an entry in ClinVar:

ClinVar aggregate classification (germline): Uncertain significance (1 of 4 stars; one submission).

Submission:

Women's Health and Genetics/Laboratory Corporation of America, LabCorp
Classification: Uncertain significance. Last evaluated: 2023-12-29. Review status: criteria provided, single submitter. Criteria: LabCorp Variant Classification Summary - May 2015. Collection method: clinical testing. Allele origin: germline.
Comment: Variant summary: STAT5B c.681+4A>G alters a conserved nucleotide located close to a canonical splice site and therefore could affect mRNA splicing, leading to a significantly altered protein sequence. Several computational tools predict a significant impact on normal splicing: One predict the variant abolishes a canonical 5' splicing donor site. Three predict the variant weakens a canonical 5' donor site. However, these predictions have yet to be confirmed by functional studies. The variant was absent in 234266 control chromosomes (gnomAD). The available data on variant occurrences in the general population are insufficient to allow any conclusion about variant significance. To our knowledge, no occurrence of c.681+4A>G in individuals affected with Growth Hormone Insensitivity Syndrome With Immune Dysregulation 2, Autosomal Dominant and no experimental evidence demonstrating its impact on protein function have been reported. No submitters have cited clinical-significance assessments for this variant to ClinVar after 2014. Based on the evidence outlined above, the variant was classified as uncertain significance.

NM_012448.4(STAT5B):c.681+4A>G

Gene: STAT5B (signal transducer and activator of transcription 5B; minus strand). Cytogenetic location: 17q21.2.
Variant type: single nucleotide variant.
Coding change: c.681+4A>G on transcript NM_012448.4 (MANE Select); 4 bases into the intron after coding-DNA position 681, A replaced by G.
Molecular consequence: intron variant.
Genome position (GRCh38, 1-based): chr17:42,219,708, T>C on the plus strand (A>G on the coding strand, the complement: STAT5B is on the minus strand). VCF-style: chr17-42219708-T-C. GRCh37 (hg19) VCF-style: chr17-40371726-T-C.
Identifiers: ClinVar variation 2691450 (VCV002691450.1), dbSNP rs2508762187, ClinGen allele CA2697559863.